The following is an entry in ClinVar:

ClinVar aggregate classification (germline): Likely pathogenic (1 of 4 stars; one submission).

Conditions:
Osteogenesis imperfecta with normal sclerae, dominant form (OI4). Also called: Common Variable Osteogenesis Imperfecta with Normal Sclerae; OSTEOGENESIS IMPERFECTA, TYPE IV, WITH DENTINOGENESIS IMPERFECTA; OSTEOGENESIS IMPERFECTA WITH NORMAL SCLERAE; Osteogenesis imperfecta type 4; Osteogenesis Imperfecta Type IV. Identifiers: Orphanet 216820, Orphanet 666, MedGen C0268363, MONDO:0008148, OMIM 166220.

Submission:

Clinical Biomedical Laboratory, Shriners Hospital For Children - Canada
Classification: Likely pathogenic for Osteogenesis imperfecta with normal sclerae, dominant form. Last evaluated: 2025-05-23. Review status: criteria provided, single submitter. Criteria: ACMG Guidelines, 2015. Collection method: clinical testing. Allele origin: germline. Affected: yes.
Comment: This variant affects a consensus splice site in COL1A1. SpliceAI predicts this variant to affect splicing. This variant is absent from the Genome Aggregation Database (v2.1.1), indicating it is rare. Variants affecting essential splice sites in COL1A1 are a typical cause of osteogenesis imperfecta.

NM_000088.4(COL1A1):c.3208-2A>T

Gene: COL1A1 (collagen type I alpha 1 chain; minus strand). Cytogenetic location: 17q21.33.
Variant type: single nucleotide variant.
Coding change: c.3208-2A>T on transcript NM_000088.4 (MANE Select); the canonical splice acceptor site of the intron before coding-DNA position 3208, A replaced by T.
Molecular consequence: splice acceptor variant.
Genome position (GRCh38, 1-based): chr17:50,188,151, T>A on the plus strand (A>T on the coding strand, the complement: COL1A1 is on the minus strand). VCF-style: chr17-50188151-T-A. GRCh37 (hg19) VCF-style: chr17-48265512-T-A.
Identifiers: ClinVar variation 4057240 (VCV004057240.1).